The following is an entry in ClinVar:

ClinVar aggregate classification (germline): Uncertain significance (1 of 4 stars; one submission).

Conditions:
Developmental and epileptic encephalopathy, 1 (DEE1). Also called: Epileptic encephalopathy, early infantile, 1; X-linked infantile spasms; West's syndrome; Tonic spasms with clustering, arrest of psychomotor development and hypsarrhythmia on EEG; X-Linked Infantile Spasm Syndrome; OHTAHARA SYNDROME, X-LINKED. Identifiers: MedGen C3463992, MONDO:0010632, OMIM 308350. Disease mechanism: loss of function.
Autosomal recessive spinocerebellar ataxia 12. Also called: SPINOCEREBELLAR ATAXIA WITH MENTAL RETARDATION AND EPILEPSY. Identifiers: Orphanet 284282, MedGen C3280452, MONDO:0013687, OMIM 614322.

Allele frequency attached by ClinVar (database versions not stated): gnomAD exomes below 0.00001.
gnomAD v4.1: 2 of 1,614,104 alleles (0.00012%); highest among the groups gnomAD compares: Non-Finnish European, 0.00017%; no homozygotes.

Submission:

Labcorp Genetics (formerly Invitae), Labcorp
Classification: Uncertain significance for Epileptic encephalopathy, early infantile, 1; Spinocerebellar ataxia, autosomal recessive 12. Last evaluated: 2019-01-23. Review status: criteria provided, single submitter. Criteria: Invitae Variant Classification Sherloc (09022015). Collection method: clinical testing. Allele origin: germline.
Comment: This sequence change replaces histidine with arginine at codon 205 of the WWOX protein (p.His205Arg). The histidine residue is moderately conserved and there is a small physicochemical difference between histidine and arginine. This variant is present in population databases (rs770649734, ExAC 0.01%). This variant has not been reported in the literature in individuals with WWOX-related conditions. Algorithms developed to predict the effect of missense changes on protein structure and function are either unavailable or do not agree on the potential impact of this missense change (SIFT: "Tolerated"; PolyPhen-2: "Possibly Damaging"; Align-GVGD: "Class C0"). In summary, the available evidence is currently insufficient to determine the role of this variant in disease. Therefore, it has been classified as a Variant of Uncertain Significance.

NM_016373.4(WWOX):c.614A>G (p.His205Arg)

Gene: WWOX (WW domain containing oxidoreductase; plus strand). Cytogenetic location: 16q23.1.
Variant type: single nucleotide variant.
Coding change: c.614A>G on transcript NM_016373.4 (MANE Select); coding-DNA position 614, A replaced by G.
Protein change: p.His205Arg; replaces histidine 205 with arginine.
Molecular consequence: missense variant.
Genome position (GRCh38, 1-based): chr16:78,424,878, A>G. VCF-style: chr16-78424878-A-G. GRCh37 (hg19) VCF-style: chr16-78458775-A-G.
Other names: c.275A>G, p.His92Arg (NM_001291997.2); short protein forms H92R, H205R.
Identifiers: ClinVar variation 852232 (VCV000852232.1), dbSNP rs770649734, ClinGen allele CA8183388.
Genomic context (GRCh38, chr16:78,424,878, plus strand): 5'-TCCTTGGTTGTAGTGTTTATGTCCACATCACATGGGATATTTTATTTTTCAGGCCTCTTC[A>G]TGTGCTTGTGTGCAACGCAGCAACTTTTGCTCTACCCTGGAGTCTCACCAAAGATGGCCT-3'
Protein context (NP_057457.1, residues 195-215): EAFKAKNVPL[His205Arg]VLVCNAATFA